The following is an entry in ClinVar:

ClinVar aggregate classification (germline): Uncertain significance (1 of 4 stars; one submission).

Conditions:
Charcot-Marie-Tooth disease type 4. Also called: Charcot-Marie-Tooth, Type 4; Charcot-Marie-Tooth disease, type IV. Identifiers: Orphanet 64749, MedGen C4082197, MONDO:0018995.

Submission:

Labcorp Genetics (formerly Invitae), Labcorp
Classification: Uncertain significance for Charcot-Marie-Tooth disease type 4. Last evaluated: 2016-10-05. Review status: criteria provided, single submitter. Criteria: Invitae Variant Classification Sherloc (09022015). Collection method: clinical testing. Allele origin: germline.
Comment: In summary, this variant is a novel missense change with uncertain impact on protein function. Therefore, it has been classified as a Variant of Uncertain Significance. Algorithms developed to predict the effect of missense changes on protein structure and function output the following: (SIFT: "Tolerated"; PolyPhen-2: "Probably Damaging"; Align-GVGD: "Class C0"). The arginine amino acid residue is found in multiple mammalian species, suggesting that this missense change does not adversely affect protein function. These predictions have not been confirmed by published functional studies. This variant is not present in population databases (ExAC no frequency) and has not been reported in the literature in individuals with a PRX-related disease. This sequence change replaces glycine with arginine at codon 952 of the PRX protein (p.Gly952Arg). The glycine residue is moderately conserved and there is a moderate physicochemical difference between glycine and arginine.

NM_181882.3(PRX):c.2854G>C (p.Gly952Arg)

Gene: PRX (periaxin; minus strand). Cytogenetic location: 19q13.2.
Variant type: single nucleotide variant.
Coding change: c.2854G>C on transcript NM_181882.3 (MANE Select); coding-DNA position 2854, G replaced by C.
Protein change: p.Gly952Arg; replaces glycine 952 with arginine.
Molecular consequence: missense variant. On other transcripts: 3 prime UTR variant (1).
Genome position (GRCh38, 1-based): chr19:40,395,498, C>G on the plus strand (G>C on the coding strand, the complement: PRX is on the minus strand). VCF-style: chr19-40395498-C-G. GRCh37 (hg19) VCF-style: chr19-40901405-C-G.
Other names: c.*3059G>C (NM_020956.2); short protein forms G952R.
Identifiers: ClinVar variation 410598 (VCV000410598.8), dbSNP rs1060502972, ClinGen allele CA16616069.
Genomic context (GRCh38, chr19:40,395,498, plus strand): 5'-CCACCCGAGCCTTGGGGAGTGAGATGGCAAATTTGGATACCTTCAGCTTGGTAGCTCGCC[C>G]AGCCCCCTCAGCCTCTGCCTTAGCCACCTTTGGCCCCGAGAGTCCAAACTTAGGTAAGGA-3'
Protein context (NP_870998.2, residues 942-962): KVAKAEAEGA[Gly952Arg]RATKLKVSKF